The following is an entry in ClinVar:

NM_002049.4(GATA1):c.824G>C (p.Gly275Ala)

Gene: GATA1 (GATA binding protein 1; plus strand). Cytogenetic location: Xp11.23.
Variant type: single nucleotide variant.
Coding change: c.824G>C on transcript NM_002049.4 (MANE Select); coding-DNA position 824, G replaced by C.
Protein change: p.Gly275Ala; replaces glycine 275 with alanine.
Molecular consequence: missense variant.
Genome position (GRCh38, 1-based): chrX:48,793,251, G>C. VCF-style: chrX-48793251-G-C. GRCh37 (hg19) VCF-style: chrX-48651658-G-C.
Other names: short protein forms G275A.
Identifiers: ClinVar variation 627395 (VCV000627395.4), dbSNP rs1602220740, ClinGen allele CA412871342.

ClinVar aggregate classification (germline): Uncertain significance. Review status: criteria provided, multiple submitters, no conflicts (2 of 4 stars). 2 submissions from 2 submitters: Uncertain significance (2). Last evaluated 2024-11-17.

Conditions:
Diamond-Blackfan anemia. Also called: Blackfan Diamond syndrome; Aregenerative anemia chronic congenital; Red cell aplasia, pure hereditary; Congenital hypoplastic anemia; Aase syndrome. Identifiers: Orphanet 124, MedGen C1260899, MeSH D029503, MONDO:0015253, HP:0004810.
GATA binding protein 1 related thrombocytopenia with dyserythropoiesis. Also called: GATA1-Related X-Linked Cytopenia; GATA1-Related Cytopenia. Identifiers: MedGen C1845837, MONDO:0100089.
Macrothrombocytopenia. Identifiers: MedGen C2751260, HP:0040185.

Submissions (2):

Labcorp Genetics (formerly Invitae), Labcorp
Classification: Uncertain significance for GATA binding protein 1 related thrombocytopenia with dyserythropoiesis; Diamond-Blackfan anemia. Last evaluated: 2024-11-17. Review status: criteria provided, single submitter. Criteria: Invitae Variant Classification Sherloc (09022015). Collection method: clinical testing. Allele origin: germline.
Comment: This sequence change replaces glycine, which is neutral and non-polar, with alanine, which is neutral and non-polar, at codon 275 of the GATA1 protein (p.Gly275Ala). This variant is not present in population databases (gnomAD no frequency). This missense change has been observed in individual(s) with GATA1-related conditions (PMID: 31064749). ClinVar contains an entry for this variant (Variation ID: 627395). Invitae Evidence Modeling of protein sequence and biophysical properties (such as structural, functional, and spatial information, amino acid conservation, physicochemical variation, residue mobility, and thermodynamic stability) has been performed for this missense variant. However, the output from this modeling did not meet the statistical confidence thresholds required to predict the impact of this variant on GATA1 protein function. In summary, the available evidence is currently insufficient to determine the role of this variant in disease. Therefore, it has been classified as a Variant of Uncertain Significance.

NIHR Bioresource Rare Diseases, University of Cambridge
Classification: Uncertain significance for Macrothrombocytopenia. Last evaluated: 2019-02-01. Review status: criteria provided, single submitter. Criteria: ACMG Guidelines, 2015. Collection method: research. Allele origin: unknown. Affected: yes. Observed: 1 hemizygote. Study: ThromboGenomics.

Literature cited by the submitters: PubMed 31064749 (cited by Labcorp Genetics (formerly Invitae), Labcorp and NIHR Bioresource Rare Diseases, University of Cambridge).